The following is an entry in ClinVar:

ClinVar aggregate classification (germline): Likely pathogenic (1 of 4 stars; one submission).

Submission:

Mayo Clinic Laboratories, Mayo Clinic
Classification: Likely pathogenic. Last evaluated: 2025-07-02. Review status: criteria provided, single submitter. Criteria: ACMG Guidelines, 2015. Collection method: clinical testing. Allele origin: germline. Observed: 1 variant allele.
Comment: PM2_supporting, PVS1

NM_001355436.2(SPTB):c.2250_2257dup (p.Asp753fs)

Gene: SPTB (spectrin beta, erythrocytic; minus strand). Cytogenetic location: 14q23.3.
Variant type: Duplication.
Coding change: c.2250_2257dup on transcript NM_001355436.2 (MANE Select); coding-DNA positions 2250 to 2257, 8 bases duplicated (CGATGCGG; older notation c.2250_2257dupCGATGCGG).
Protein change: p.Asp753fs; shifts the reading frame from aspartic acid 753.
Molecular consequence: frameshift variant.
Genome position (GRCh38, 1-based): chr14:64,793,406-64,793,413, CCGCATCG duplicated on the plus strand (CGATGCGG on the coding strand, the reverse complement: SPTB is on the minus strand); duplicating any 8 consecutive bases within chr14:64,793,406-64,793,415 gives the same sequence; the c. name uses the placement nearest the transcript's 3' end. VCF-style (leftmost placement, unchanged base first): chr14-64793405-T-TCCGCATCG. GRCh37 (hg19) VCF-style: chr14-65260123-T-TCCGCATCG.
Other names: p.Asp753Alafs*6; c.2250_2257dup, p.Asp753fs (NM_001024858.4, NM_001355437.2); short protein forms D753fs.
Identifiers: ClinVar variation 4541857 (VCV004541857.1).
Genomic context (GRCh38, chr14:64,793,405, plus strand): 5'-TGCCCCACATCTTCACCAGAGAGCAGCCGGTGGGCGTCTTGCAGCCAAGCCTTCAGGTCA[T>TCCGCATCG]CCGCATCGCCCTGGAACTGGAAAAAGTTCTCAGCATCCTGGAGGTTCTTCTTGCAGAAGG-3'